The following is an entry in ClinVar:

ClinVar aggregate classification (germline): Pathogenic (1 of 4 stars; one submission).

Submission:

GeneDx
Classification: Pathogenic. Last evaluated: 2024-12-24. Review status: criteria provided, single submitter. Criteria: GeneDx Variant Classification Process June 2021. Collection method: clinical testing. Allele origin: germline. Affected: yes.
Comment: Frameshift variant predicted to result in protein truncation or nonsense mediated decay in a gene for which loss of function is a known mechanism of disease; Not observed at significant frequency in large population cohorts (gnomAD); This variant is associated with the following publications: (PMID: 35982159, 33057194)

NM_001080517.3(SETD5):c.1087_1088del (p.Met363fs)

Gene: SETD5 (SET domain containing 5; plus strand). Cytogenetic location: 3p25.3.
Variant type: Deletion.
Coding change: c.1087_1088del on transcript NM_001080517.3 (MANE Select); coding-DNA positions 1087 to 1088, 2 bases deleted (AT; older notation c.1087_1088delAT).
Protein change: p.Met363fs; shifts the reading frame from methionine 363.
Molecular consequence: frameshift variant.
Genome position (GRCh38, 1-based): chr3:9,443,317-9,443,318, AT deleted. VCF-style (leftmost placement, unchanged base first): chr3-9443316-CAT-C. GRCh37 (hg19) VCF-style: chr3-9485000-CAT-C.
Other names: c.793_794del, p.Met265fs (NM_001292043.2, NM_001349451.2); c.1087_1088delAT (NM_001080517.1); short protein forms M265fs, M363fs.
Identifiers: ClinVar variation 452743 (VCV000452743.5), dbSNP rs1553622384, ClinGen allele CA658657265.
Genomic context (GRCh38, chr3:9,443,316, plus strand): 5'-CGGAAAGTTCATGGTCTTTATGAAAAATCCAACCAGAAGCCTTTTCACACAGGTGCGACA[CAT>C]GATTGCAGATGGGATGATTCACCTGTGCATCTATGCTGTGTCTGCCATCACCAAGGATGC-3'